The following is an entry in ClinVar:

NM_000047.3(ARSL):c.43C>G (p.Leu15Val)

Gene: ARSL (arylsulfatase L; minus strand). Cytogenetic location: Xp22.33.
Variant type: single nucleotide variant.
Coding change: c.43C>G on transcript NM_000047.3 (MANE Select); coding-DNA position 43, C replaced by G.
Protein change: p.Leu15Val; replaces leucine 15 with valine.
Molecular consequence: missense variant. On other transcripts: intron variant (1).
Genome position (GRCh38, 1-based): chrX:2,958,416, G>C on the plus strand (C>G on the coding strand, the complement: ARSL is on the minus strand). VCF-style: chrX-2958416-G-C. GRCh37 (hg19) VCF-style: chrX-2876457-G-C.
Other names: c.118C>G, p.Leu40Val (NM_001282628.2, NM_001369080.1); c.70C>G, p.Leu24Val (NM_001369079.1); c.23+1962C>G (NM_001282631.2); short protein forms L24V, L40V, L15V.
Identifiers: ClinVar variation 3706864 (VCV003706864.2).

ClinVar aggregate classification (germline): Uncertain significance (1 of 4 stars; one submission).

Conditions:
Chondrodysplasia punctata, brachytelephalangic, autosomal. Also called: BRACHYTELEPHALANGIC CHONDRODYSPLASIA PUNCTATA. Identifiers: MedGen C1844853, MONDO:0011238, OMIM 602497.

gnomAD v4.1: 1 of 1,210,643 alleles (0.000083%); highest among the groups gnomAD compares: Non-Finnish European, 0.00011%; no homozygotes.

Submission:

Labcorp Genetics (formerly Invitae), Labcorp
Classification: Uncertain significance for Chondrodysplasia punctata, brachytelephalangic, autosomal. Last evaluated: 2024-07-04. Review status: criteria provided, single submitter. Criteria: Invitae Variant Classification Sherloc (09022015). Collection method: clinical testing. Allele origin: germline.
Comment: This sequence change replaces leucine, which is neutral and non-polar, with valine, which is neutral and non-polar, at codon 15 of the ARSE protein (p.Leu15Val). This variant is not present in population databases (gnomAD no frequency). This variant has not been reported in the literature in individuals affected with ARSE-related conditions. An algorithm developed to predict the effect of missense changes on protein structure and function (PolyPhen-2) suggests that this variant is likely to be disruptive. In summary, the available evidence is currently insufficient to determine the role of this variant in disease. Therefore, it has been classified as a Variant of Uncertain Significance.